The following is an entry in ClinVar:

ClinVar aggregate classification (germline): Uncertain significance (1 of 4 stars; one submission).

Allele frequency attached by ClinVar (database versions not stated): gnomAD 0.00001; gnomAD exomes 0.00001.
gnomAD v4.1: 10 of 1,593,740 alleles (0.00063%); highest among the groups gnomAD compares: South Asian, 0.011%; 1 homozygote.

Submission:

Labcorp Genetics (formerly Invitae), Labcorp
Classification: Uncertain significance. Last evaluated: 2023-08-17. Review status: criteria provided, single submitter. Criteria: Invitae Variant Classification Sherloc (09022015). Collection method: clinical testing. Allele origin: germline.
Comment: In summary, the available evidence is currently insufficient to determine the role of this variant in disease. Therefore, it has been classified as a Variant of Uncertain Significance. An algorithm developed to predict the effect of missense changes on protein structure and function (PolyPhen-2) suggests that this variant is likely to be tolerated. ClinVar contains an entry for this variant (Variation ID: 1916140). This variant has not been reported in the literature in individuals affected with DSCAML1-related conditions. The frequency data for this variant in the population databases is considered unreliable, as metrics indicate poor data quality at this position in the gnomAD database. This sequence change replaces threonine, which is neutral and polar, with alanine, which is neutral and non-polar, at codon 2028 of the DSCAML1 protein (p.Thr2028Ala).

NM_020693.4(DSCAML1):c.5902A>G (p.Thr1968Ala)

Gene: DSCAML1 (DS cell adhesion molecule like 1; minus strand). Cytogenetic location: 11q23.3.
Variant type: single nucleotide variant.
Coding change: c.5902A>G on transcript NM_020693.4 (MANE Select); coding-DNA position 5902, A replaced by G.
Protein change: p.Thr1968Ala; replaces threonine 1968 with alanine.
Molecular consequence: missense variant.
Genome position (GRCh38, 1-based): chr11:117,428,588, T>C on the plus strand (A>G on the coding strand, the complement: DSCAML1 is on the minus strand). VCF-style: chr11-117428588-T-C. GRCh37 (hg19) VCF-style: chr11-117299304-T-C.
Other names: short protein forms T1968A.
Identifiers: ClinVar variation 1916140 (VCV001916140.5), dbSNP rs760438880, ClinGen allele CA6295933.